The following is an entry in ClinVar:

ClinVar aggregate classification (germline): Uncertain significance. Review status: criteria provided, multiple submitters, no conflicts (2 of 4 stars). 2 submissions from 2 submitters: Uncertain significance (2). Last evaluated 2025-03-03.

Conditions:
Hereditary cancer-predisposing syndrome. Also called: Neoplastic Syndromes, Hereditary; Hereditary Cancer Syndrome; Hereditary neoplastic syndrome; Tumor predisposition. Identifiers: Orphanet 140162, MedGen C0027672, MeSH D009386, MONDO:0015356.
Mitochondrial complex II deficiency, nuclear type 1. Also called: SUCCINATE CoQ REDUCTASE DEFICIENCY. Identifiers: Orphanet 3208, MedGen C5700310, MONDO:0100294, OMIM 252011.
Pheochromocytoma/paraganglioma syndrome 5. Also called: Paragangliomas 5; SDHA-Related Hereditary Paraganglioma-Pheochromocytoma Syndrome. Identifiers: Orphanet 29072, MedGen C3279992, MONDO:0013602, OMIM 614165.

Allele frequency attached by ClinVar (database versions not stated): ExAC 0.00001; gnomAD exomes 0.00001.
gnomAD v4.1: 11 of 1,612,050 alleles (0.00068%); highest among the groups gnomAD compares: South Asian, 0.0011%; no homozygotes.

Submissions (2):

Labcorp Genetics (formerly Invitae), Labcorp
Classification: Uncertain significance for Pheochromocytoma/paraganglioma syndrome 5; Mitochondrial complex II deficiency, nuclear type 1. Last evaluated: 2025-03-03. Review status: criteria provided, single submitter. Criteria: Invitae Variant Classification Sherloc (09022015). Collection method: clinical testing. Allele origin: germline.
Comment: This sequence change replaces tyrosine, which is neutral and polar, with cysteine, which is neutral and slightly polar, at codon 543 of the SDHA protein (p.Tyr543Cys). This variant is present in population databases (rs778670859, gnomAD 0.003%). This variant has not been reported in the literature in individuals affected with SDHA-related conditions. ClinVar contains an entry for this variant (Variation ID: 1443991). Invitae Evidence Modeling of protein sequence and biophysical properties (such as structural, functional, and spatial information, amino acid conservation, physicochemical variation, residue mobility, and thermodynamic stability) indicates that this missense variant is not expected to disrupt SDHA protein function with a negative predictive value of 95%. In summary, the available evidence is currently insufficient to determine the role of this variant in disease. Therefore, it has been classified as a Variant of Uncertain Significance.

Ambry Genetics
Classification: Uncertain significance for Hereditary cancer-predisposing syndrome. Last evaluated: 2024-12-15. Review status: criteria provided, single submitter. Criteria: Ambry Variant Classification Scheme 2023. Collection method: clinical testing. Allele origin: germline.
Comment: The p.Y543C variant (also known as c.1628A>G), located in coding exon 12 of the SDHA gene, results from an A to G substitution at nucleotide position 1628. The tyrosine at codon 543 is replaced by cysteine, an amino acid with highly dissimilar properties. This amino acid position is highly conserved in available vertebrate species. In addition, the in silico prediction for this alteration is inconclusive. Since supporting evidence is limited at this time, the clinical significance of this alteration remains unclear.

NM_004168.4(SDHA):c.1628A>G (p.Tyr543Cys)

Gene: SDHA (succinate dehydrogenase complex flavoprotein subunit A; plus strand). Cytogenetic location: 5p15.33.
Variant type: single nucleotide variant.
Coding change: c.1628A>G on transcript NM_004168.4 (MANE Select); coding-DNA position 1628, A replaced by G.
Protein change: p.Tyr543Cys; replaces tyrosine 543 with cysteine.
Molecular consequence: missense variant. On other transcripts: intron variant (1).
Genome position (GRCh38, 1-based): chr5:251,068, A>G. VCF-style: chr5-251068-A-G. GRCh37 (hg19) VCF-style: chr5-251183-A-G.
Other names: c.1484A>G, p.Tyr495Cys (NM_001294332.2); c.1552-3325A>G (NM_001330758.2); short protein forms Y495C, Y543C.
Identifiers: ClinVar variation 1443991 (VCV001443991.9), dbSNP rs778670859, ClinGen allele CA3173307.